The following continues an entry in ClinVar:

NM_000026.4(ADSL):c.1277G>A (p.Arg426His)

Gene: ADSL. ClinVar aggregate classification (germline): Pathogenic. Pathogenic (21).

Submissions 15 to 24 of 24:

Laboratory for Molecular Medicine, Mass General Brigham Personalized Medicine
Classification: Pathogenic for Adenylosuccinate lyase deficiency. Last evaluated: 2017-09-12. Review status: criteria provided, single submitter. Criteria: LMM Criteria. Collection method: clinical testing. Allele origin: germline. Inheritance: Autosomal recessive inheritance. Observed: 1 variant allele.
Comment: The p.Arg426His (NM_000026.2 c.1277G>A) variant in ADSL has been reported in 11 homozygotes and 9 compound heterozygous individuals with Adenylosuccinate lyase deficiency (ADSL) (Cantwell 1988, Marie 1999, Kmoch 2000, Mouchegh 2007, Jurecka 2008, Lundy 2010, Henneke 2010, Jurecka 2016 and Donti 2016), and segregated in 3 family members in 2 families (Edery 2003 Donti 2016), and has been reported i n ClinVar (Variation ID#2462) by multiple laboratories as pathogenic. In vitro f unctional studies provide evidence supporting an impact on protein function (Bar esova 2012 and Zikanova 2010). This variant has been identified in 0.042% (28/66 ,740) of European chromosomes by the Exome Aggregation Consortium (ExAC; dbSNP rs119450941). Although this variant has been seen in the general population, its frequency is low enough to be consistent with a recessive carrier frequency. In summary, this variant meets criteria to be class ified as pathogenic for ADSL in an autosomal recessive manner based upon biallel ic case observations, segregation in affected individuals and functional evidenc e.

Illumina Laboratory Services, Illumina
Classification: Pathogenic for Adenylosuccinate lyase deficiency. Last evaluated: 2017-04-27. Review status: criteria provided, single submitter. Criteria: ICSL Variant Classification Criteria 09 May 2019. Collection method: clinical testing. Allele origin: germline.
Comment: The ADSL c.1277G>A (p.Arg426His) variant has been identified in a homozygous state in 13 individuals with adenylosuccinase deficiency, in a compound heterozygous state in four individuals, and in a heterozygous state in six unaffected family members (Marie et al. 1999; Kmoch et al. 2000; Edery et al. 2003; Jurecka et al. 2008; Donti et al. 2016). The p.Arg426His variant was absent from 88 controls and is reported at a frequency of 0.00042 in the European (non-Finnish) population of the Exome Aggregation Consortium. In vitro functional studies demonstrated that the p.Arg426His mutant enzyme resulted in approximately 50% of wild type activity. Biochemical analyses showed that the p.Arg426His variant produced an unstable protein (Kmoch et al. 2000; Jurecka et al. 2008; Zikanova et al. 2010). Based on the collective evidence, the p.Arg426His variant is classified as pathogenic for adenylosuccinase deficiency. This variant was observed by ICSL as part of a predisposition screen in an ostensibly healthy population.

Center for Pediatric Genomic Medicine, Children's Mercy Hospital and Clinics
Classification: Pathogenic. Last evaluated: 2017-01-30. Review status: criteria provided, single submitter. Criteria: ACMG Guidelines, 2015. Collection method: clinical testing. Allele origin: germline.

Genetic Services Laboratory, University of Chicago
Classification: Pathogenic for Adenylosuccinase deficiency. Last evaluated: 2014-07-16. Review status: criteria provided, single submitter. Criteria: ACMG Guidelines, 2015. Collection method: clinical testing. Allele origin: germline. Affected: yes.

Eurofins Ntd Llc (ga)
Classification: Pathogenic. Last evaluated: 2014-06-26. Review status: criteria provided, single submitter. Criteria: EGL Classification Definitions 2015. Collection method: clinical testing. Allele origin: germline. Observed: 5 variant alleles, 5 heterozygotes.

Courtagen Diagnostics Laboratory, Courtagen Life Sciences
Classification: Pathogenic for Adenylosuccinase deficiency. Last evaluated: 2013-12-28. Review status: criteria provided, single submitter. Criteria: Courtagen Life Sciences Classifications. Collection method: clinical testing. Allele origin: germline.

Neuberg Centre For Genomic Medicine, NCGM
Classification: Pathogenic for Adenylosuccinate lyase deficiency. Review status: criteria provided, single submitter. Criteria: ACMG Guidelines, 2015. Collection method: clinical testing. Allele origin: germline. Inheritance: Autosomal recessive inheritance. Affected: yes.
Comment: The observed missense c.1277G>A (p.Arg426His) variant in ADSL gene has been reported previously in homozygous and compound heterozygous states in multiple individuals affected with adenylosuccinase deficiency (Ray et al., 2013; Jurecka et al., 2014; Donti et al., 2016; Mastrogiorgio et al., 2021). It has also been observed to segregate with disease in related individuals. Experimental analysis demonstrated this variant to cause reduced thermal stability and ADSL activity (Kmoch et al., 2000; Zikanova et al., 2010). This variant is present with allele frequency of 0.02% in gnomAD Exomes. This variant has been submitted to the ClinVar database as Pathogenic (multiple submissions). Multiple lines of computational evidence (Polyphen - Probably Damaging, SIFT - Damaging and MutationTaster - Disease causing) predict a damaging effect on protein structure and function for this variant. The reference amino acid of p.Arg426His in ADSL is predicted as conserved by GERP++ and PhyloP across 100 vertebrates. The amino acid Arg at position 426 is changed to a His changing protein sequence and it might alter its composition and physico-chemical properties. For these reasons, this variant has been classified as Pathogenic.

OMIM
Classification: Pathogenic for ADENYLOSUCCINASE DEFICIENCY. Last evaluated: 2008-08-01. Review status: no assertion criteria provided. Collection method: literature only. Allele origin: germline. Not counted in ClinVar's aggregate classification.

Clinical Genetics DNA and cytogenetics Diagnostics Lab, Erasmus MC, Erasmus Medical Center
Classification: Pathogenic. Review status: no assertion criteria provided. Collection method: clinical testing. Allele origin: germline. Affected: yes. Study: VKGL Data-share Consensus. Not counted in ClinVar's aggregate classification.

Genome Diagnostics Laboratory, Amsterdam University Medical Center
Classification: Pathogenic. Review status: no assertion criteria provided. Collection method: clinical testing. Allele origin: germline. Affected: yes. Study: VKGL Data-share Consensus. Not counted in ClinVar's aggregate classification.

Literature cited by the submitters: PubMed 10090474 (cited by 7 submitters); PubMed 12833398 (cited by 8 submitters); PubMed 16839792 (cited by Labcorp Genetics (formerly Invitae), Labcorp); PubMed 18524658 (cited by 7 submitters); PubMed 25112391 (cited by Labcorp Genetics (formerly Invitae), Labcorp); PubMed 27504266 (cited by 7 submitters); PubMed 20127976 (cited by 7 submitters); PubMed 33648541 (cited by Rady Children's Institute for Genomic Medicine, Rady Children's Hospital San Diego and Ambry Genetics); PubMed 17188615 (cited by Women's Health and Genetics/Laboratory Corporation of America, LabCorp and Laboratory for Molecular Medicine, Mass General Brigham Personalized Medicine); PubMed 10888601 (cited by 4 submitters); PubMed 22180458 (cited by Ambry Genetics and Laboratory for Molecular Medicine, Mass General Brigham Personalized Medicine); PubMed 23504561 (cited by 4 submitters); PubMed 23714113 (cited by 4 submitters); PubMed 30609409 (cited by AiLife Diagnostics); PubMed 31164858 (cited by AiLife Diagnostics); PubMed 7334371 (cited by AiLife Diagnostics); PubMed 29655203 (cited by AiLife Diagnostics); PubMed 28487569 (cited by Athena Diagnostics); PubMed 28559277 (cited by Athena Diagnostics); PubMed 20933180 (cited by Laboratory for Molecular Medicine, Mass General Brigham Personalized Medicine); PubMed 20175147 (cited by Laboratory for Molecular Medicine, Mass General Brigham Personalized Medicine); PubMed 9266401 (cited by OMIM).